The following is an entry in ClinVar:

NM_001253852.3(AP4B1):c.2211A>G (p.Ile737Met)

Genes: AP4B1 (adaptor related protein complex 4 subunit beta 1; minus strand), AP4B1-AS1 (AP4B1 antisense RNA 1; plus strand). Cytogenetic location: 1p13.2.
Variant type: single nucleotide variant.
Coding change: c.2211A>G on transcript NM_001253852.3 (MANE Select); coding-DNA position 2211, A replaced by G.
Protein change: p.Ile737Met; replaces isoleucine 737 with methionine.
Molecular consequence: missense variant.
Genome position (GRCh38, 1-based): chr1:113,895,074, T>C on the plus strand (A>G on the coding strand, the complement: AP4B1 is on the minus strand). VCF-style: chr1-113895074-T-C. GRCh37 (hg19) VCF-style: chr1-114437696-T-C.
Other names: c.1914A>G, p.Ile638Met (NM_001253853.3); c.1707A>G, p.Ile569Met (NM_001308312.2); c.2211A>G, p.Ile737Met (NM_006594.5); short protein forms I569M, I638M, I737M.
Identifiers: ClinVar variation 2202043 (VCV002202043.4), dbSNP rs372937961, ClinGen allele CA1015630.

ClinVar aggregate classification (germline): Uncertain significance (1 of 4 stars; one submission).

Conditions:
Hereditary spastic paraplegia 47. Also called: CEREBRAL PALSY, SPASTIC QUADRIPLEGIC, 5; Spastic paraplegia 47, autosomal recessive; adaptor protein 4 (AP-4) deficiency syndrome. Identifiers: Orphanet 280763, MedGen C3279738, MONDO:0013551, OMIM 614066.

Allele frequency attached by ClinVar (database versions not stated): TOPMed below 0.00001; gnomAD exomes 0.00005; ExAC 0.00006; ESP Exome Variant Server 0.00008.
gnomAD v4.1: 65 of 1,613,594 alleles (0.004%); highest among the groups gnomAD compares: Non-Finnish European, 0.0055%; no homozygotes.

Submission:

Labcorp Genetics (formerly Invitae), Labcorp
Classification: Uncertain significance for Hereditary spastic paraplegia 47. Last evaluated: 2022-08-09. Review status: criteria provided, single submitter. Criteria: Invitae Variant Classification Sherloc (09022015). Collection method: clinical testing. Allele origin: germline.
Comment: This sequence change replaces isoleucine, which is neutral and non-polar, with methionine, which is neutral and non-polar, at codon 737 of the AP4B1 protein (p.Ile737Met). This variant is present in population databases (rs372937961, gnomAD 0.007%). This variant has not been reported in the literature in individuals affected with AP4B1-related conditions. Algorithms developed to predict the effect of missense changes on protein structure and function output the following: SIFT: "Tolerated"; PolyPhen-2: "Benign"; Align-GVGD: "Class C0". The methionine amino acid residue is found in multiple mammalian species, which suggests that this missense change does not adversely affect protein function. In summary, the available evidence is currently insufficient to determine the role of this variant in disease. Therefore, it has been classified as a Variant of Uncertain Significance.